The following is an entry in ClinVar:

NM_017837.4(PIGV):c.607C>T (p.Arg203Cys)

Gene: PIGV (phosphatidylinositol glycan anchor biosynthesis class V; plus strand). Cytogenetic location: 1p36.11.
Variant type: single nucleotide variant.
Coding change: c.607C>T on transcript NM_017837.4 (MANE Select); coding-DNA position 607, C replaced by T.
Protein change: p.Arg203Cys; replaces arginine 203 with cysteine.
Molecular consequence: missense variant. On other transcripts: non-coding transcript variant (1), intron variant (3).
Genome position (GRCh38, 1-based): chr1:26,794,641, C>T. VCF-style: chr1-26794641-C-T. GRCh37 (hg19) VCF-style: chr1-27121132-C-T.
Other names: c.607C>T, p.Arg203Cys (NM_001202554.2, NM_001374478.1, NM_001374480.1 and 2 more transcripts); c.226C>T, p.Arg76Cys (NM_001374483.1); c.173-193C>T (NM_001374484.1, NM_001374485.1); c.79-2922C>T (NM_001374486.1); short protein forms R203C, R76C.
Identifiers: ClinVar variation 871134 (VCV000871134.47), dbSNP rs149690056, ClinGen allele CA708080.

ClinVar aggregate classification (germline): Pathogenic/Likely pathogenic. Review status: criteria provided, multiple submitters, no conflicts (2 of 4 stars). 4 submissions from 4 submitters: Pathogenic (2); Likely pathogenic (2). Last evaluated 2025-09-02.

Conditions:
Hyperphosphatasia with impaired intellectual development syndrome 1. Also called: GLYCOSYLPHOSPHATIDYLINOSITOL BIOSYNTHESIS DEFECT 2; Hyperphosphatasia with intellectual disability syndrome 1; MABRY SYNDROME. Identifiers: Orphanet 247262, MedGen C4551502, MONDO:0009398, OMIM 239300.

Allele frequency attached by ClinVar (database versions not stated): ExAC 0.00001; gnomAD 0.00001; gnomAD exomes 0.00001; ESP Exome Variant Server 0.00008; TOPMed 0.00002.

Submissions (4):

Labcorp Genetics (formerly Invitae), Labcorp
Classification: Pathogenic. Last evaluated: 2025-09-02. Review status: criteria provided, single submitter. Criteria: Invitae Variant Classification Sherloc (09022015). Collection method: clinical testing. Allele origin: germline.
Comment: This sequence change replaces arginine, which is basic and polar, with cysteine, which is neutral and slightly polar, at codon 203 of the PIGV protein (p.Arg203Cys). This variant is present in population databases (rs149690056, gnomAD 0.003%). This missense change has been observed in individual(s) with clinical features of hyperphosphatasia with intellectual disability syndrome (PMID: 28688840, 36064943, 37863628). In at least one individual the data is consistent with being in trans (on the opposite chromosome) from a pathogenic variant. ClinVar contains an entry for this variant (Variation ID: 871134). Invitae Evidence Modeling of protein sequence and biophysical properties (such as structural, functional, and spatial information, amino acid conservation, physicochemical variation, residue mobility, and thermodynamic stability) indicates that this missense variant is expected to disrupt PIGV protein function with a positive predictive value of 95%. For these reasons, this variant has been classified as Pathogenic.

GeneDx
Classification: Likely pathogenic. Last evaluated: 2023-04-14. Review status: criteria provided, single submitter. Criteria: GeneDx Variant Classification Process June 2021. Collection method: clinical testing. Allele origin: germline. Affected: yes.
Comment: In silico analysis, which includes protein predictors and evolutionary conservation, supports a deleterious effect; Not observed at significant frequency in large population cohorts (gnomAD); This variant is associated with the following publications: (PMID: 28688840, 34426522)

CeGaT Center for Human Genetics Tuebingen
Classification: Pathogenic. Last evaluated: 2018-08-01. Review status: criteria provided, single submitter. Criteria: CeGaT Center For Human Genetics Tuebingen Variant Classification Criteria Version 2. Collection method: clinical testing. Allele origin: germline. Affected: yes. Observed: 2 variant alleles.

Institute of Human Genetics, University of Leipzig Medical Center
Classification: Likely pathogenic for Hyperphosphatasia with impaired intellectual development syndrome 1. Last evaluated: 2017-08-11. Review status: criteria provided, single submitter. Criteria: ACMG Guidelines, 2015. Collection method: clinical testing. Allele origin: germline. Affected: yes.
Comment: This variant was identified comp-het. with Chr1: 27121547; NM_017837.3: c.1022C>A; p.(Ala341Glu)

Literature cited by the submitters: PubMed 28688840 (cited by Labcorp Genetics (formerly Invitae), Labcorp); PubMed 36064943 (cited by Labcorp Genetics (formerly Invitae), Labcorp); PubMed 37863628 (cited by Labcorp Genetics (formerly Invitae), Labcorp).